The following is an entry in ClinVar:

ClinVar aggregate classification (germline): Uncertain significance. Review status: criteria provided, multiple submitters, no conflicts (2 of 4 stars). 3 submissions from 3 submitters: Uncertain significance (3). Last evaluated 2023-09-17.

Conditions:
Inborn genetic diseases. Identifiers: MedGen C0950123, MeSH D030342.
Inflammatory skin and bowel disease, neonatal, 1. Identifiers: Orphanet 294023, MedGen C3280501, MONDO:0013693, OMIM 614328.

Allele frequency attached by ClinVar (database versions not stated): gnomAD 0.00019 and 0.00018; ExAC 0.00012; TOPMed 0.00012; gnomAD exomes 0.00014 and 0.00018.
gnomAD v4.1: 279 of 1,613,978 alleles (0.017%); highest among the groups gnomAD compares: Non-Finnish European, 0.022%; no homozygotes.

Submissions (3):

Labcorp Genetics (formerly Invitae), Labcorp
Classification: Uncertain significance for Inflammatory skin and bowel disease, neonatal, 1. Last evaluated: 2023-09-17. Review status: criteria provided, single submitter. Criteria: Invitae Variant Classification Sherloc (09022015). Collection method: clinical testing. Allele origin: germline.
Comment: This sequence change replaces aspartic acid, which is acidic and polar, with glycine, which is neutral and non-polar, at codon 657 of the ADAM17 protein (p.Asp657Gly). This variant is present in population databases (rs144657795, gnomAD 0.03%). This variant has not been reported in the literature in individuals affected with ADAM17-related conditions. ClinVar contains an entry for this variant (Variation ID: 539949). An algorithm developed to predict the effect of missense changes on protein structure and function (PolyPhen-2) suggests that this variant is likely to be disruptive. In summary, the available evidence is currently insufficient to determine the role of this variant in disease. Therefore, it has been classified as a Variant of Uncertain Significance.

Blueprint Genetics
Classification: Uncertain significance. Last evaluated: 2022-07-15. Review status: criteria provided, single submitter. Criteria: ACMG Guidelines, 2015. Collection method: clinical testing. Allele origin: germline.

Ambry Genetics
Classification: Uncertain significance for Inborn genetic diseases. Last evaluated: 2021-08-02. Review status: criteria provided, single submitter. Criteria: Ambry Variant Classification Scheme 2023. Collection method: clinical testing. Allele origin: germline.

NM_003183.6(ADAM17):c.1970A>G (p.Asp657Gly)

Genes: ADAM17 (ADAM metallopeptidase domain 17; minus strand), IAH1 (isoamyl acetate hydrolyzing esterase 1 (putative); plus strand). Cytogenetic location: 2p25.1.
Variant type: single nucleotide variant.
Coding change: c.1970A>G on transcript NM_003183.6 (MANE Select); coding-DNA position 1970, A replaced by G.
Protein change: p.Asp657Gly; replaces aspartic acid 657 with glycine.
Molecular consequence: missense variant.
Genome position (GRCh38, 1-based): chr2:9,493,770, T>C on the plus strand (A>G on the coding strand, the complement: ADAM17 is on the minus strand). VCF-style: chr2-9493770-T-C. GRCh37 (hg19) VCF-style: chr2-9633899-T-C.
Other names: c.1970A>G (NM_003183.4); c.1970A>G, p.Asp657Gly (LRG_1203t1); short protein forms D657G.
Identifiers: ClinVar variation 539949 (VCV000539949.9), dbSNP rs144657795, ClinGen allele CA1523367.
Genomic context (GRCh38, chr2:9,493,770, plus strand): 5'-CTCAGCTCTCAGTAAGTAATCTGGGGAAATCACCTACCAAAAGTATTGATGCTCAGCTGG[T>C]CAATGAAATCCCAAAATCGTTCAATTACATCCTGTACTCGTTTCTCACATTTGCCCTATG-3'
Protein context (NP_003174.3, residues 647-667): DVIERFWDFI[Asp657Gly]QLSINTFGKF